The following is an entry in ClinVar:

ClinVar aggregate classification (germline): Benign/Likely benign. Review status: criteria provided, multiple submitters, no conflicts (2 of 4 stars). 14 submissions from 14 submitters: Benign (6); Likely benign (5). 3 of the submissions do not count toward it. Last evaluated 2026-08-01.

Conditions:
Hereditary hyperekplexia. Identifiers: Orphanet 3197, MedGen C4084968, MONDO:0021022.
GLRA1-related disorder. Also called: GLRA1-related condition.
Hyperekplexia 1 (STHE). Also called: HYPEREKPLEXIA 1, AUTOSOMAL DOMINANT; STARTLE DISEASE, FAMILIAL; STIFF-BABY SYNDROME; STIFF-MAN SYNDROME, CONGENITAL; STIFF-PERSON SYNDROME, CONGENITAL; HYPEREKPLEXIA 1, AUTOSOMAL RECESSIVE. Identifiers: Orphanet 3197, MedGen C4551954, MONDO:0007868, OMIM 149400.

Allele frequency attached by ClinVar (database versions not stated): 1000 Genomes Project 0.00379; gnomAD 0.00908 and 0.00939; TOPMed 0.00922; gnomAD exomes 0.00962 and 0.01274; 1000 Genomes Project 30x 0.00344; ExAC 0.01004; ESP Exome Variant Server 0.01130.
gnomAD v4.1: 19,960 of 1,613,434 alleles (1.2%); highest among the groups gnomAD compares: Middle Eastern, 2.7%; 137 homozygotes.

Submissions (14):

CeGaT Center for Human Genetics Tuebingen
Classification: Benign. Last evaluated: 2026-08-01. Review status: criteria provided, single submitter. Criteria: CeGaT Center For Human Genetics Tuebingen Variant Classification Criteria Version 2. Collection method: clinical testing. Allele origin: germline. Affected: yes. Observed: 2 variant alleles.
Comment: GLRA1: BS1, BS2

Labcorp Genetics (formerly Invitae), Labcorp
Classification: Benign for Hereditary hyperekplexia. Last evaluated: 2026-02-03. Review status: criteria provided, single submitter. Criteria: Invitae Variant Classification Sherloc (09022015). Collection method: clinical testing. Allele origin: germline.

Molecular Genetics, Royal Melbourne Hospital
Classification: Benign for Hyperekplexia 1. Last evaluated: 2023-05-04. Review status: criteria provided, single submitter. Criteria: ACMG Guidelines, 2015. Collection method: clinical testing. Allele origin: germline. Affected: yes.
Comment: European Non-Finnish population allele frequency is 1.473% (rs116474260, 1959/128696 alleles, 15 homozygotes in gnomAD v2.1). Based on the classification scheme RMH Modified ACMG/AMP Guidelines v1.5.1, this variant is classified as BENIGN. Following criteria are met: BA1

Mayo Clinic Laboratories, Mayo Clinic
Classification: Benign. Last evaluated: 2022-08-23. Review status: criteria provided, single submitter. Criteria: ACMG Guidelines, 2015. Collection method: clinical testing. Allele origin: germline. Observed: 10 variant alleles.
Comment: BS1, BS2, BP4

GeneDx
Classification: Benign. Last evaluated: 2019-10-22. Review status: criteria provided, single submitter. Criteria: GeneDx Variant Classification Process June 2021. Collection method: clinical testing. Allele origin: germline. Affected: yes.
Comment: This variant is associated with the following publications: (PMID: 27535533, 26764160, 27884173, 10817489, 20981092, 25333069, 20631190)

Mendelics
Classification: Likely benign for Hyperekplexia 1. Last evaluated: 2019-05-28. Review status: criteria provided, single submitter. Criteria: Mendelics Assertion Criteria 2017. Collection method: clinical testing. Allele origin: unknown.

Illumina Laboratory Services, Illumina
Classification: Likely benign for Hyperekplexia 1. Last evaluated: 2017-04-27. Review status: criteria provided, single submitter. Criteria: ICSL Variant Classification Criteria 13 December 2019. Collection method: clinical testing. Allele origin: germline.
Comment: This variant was observed as part of a predisposition screen in an ostensibly healthy population. A literature search was performed for the gene, cDNA change, and amino acid change (where applicable). Publications were found based on this search. The evidence from the literature, in combination with allele frequency data from public databases where available, was sufficient to determine this variant is unlikely to cause disease. Therefore, this variant is classified as likely benign.

Laboratory for Molecular Medicine, Mass General Brigham Personalized Medicine
Classification: Likely benign. Last evaluated: 2016-03-28. Review status: criteria provided, single submitter. Criteria: LMM Criteria. Collection method: clinical testing. Allele origin: germline.
Comment: Variant identified in a genome or exome case(s) and assessed due to predicted null impact of the variant or pathogenic assertions in the literature or databases. Disclaimer: This variant has not undergone full assessment. The following are preliminary notes: DM? in HGMD, frequency

Genome Diagnostics Laboratory, University Medical Center Utrecht
Classification: Benign for Hyperekplexia 1. Last evaluated: 2014-10-09. Review status: criteria provided, single submitter. Criteria: ACGS Guidelines, 2013. Collection method: clinical testing. Allele origin: germline. Affected: yes. Study: VKGL Data-share Consensus.

Breakthrough Genomics
Classification: Likely benign. Review status: criteria provided, single submitter. Criteria: ACMG Guidelines, 2015. Collection method: not provided. Allele origin: germline. Inheritance: Autosomal dominant inheritance. Affected: yes.

Broad Center for Mendelian Genomics, Broad Institute of MIT and Harvard
Classification: Likely benign for Hyperekplexia 1. Review status: criteria provided, single submitter. Criteria: ACMG Guidelines, 2015. Collection method: research. Allele origin: germline. Inheritance: Autosomal dominant inheritance. Affected: yes.
Comment: The heterozygous p.Gly370Ser variant, sometimes called p.Gly342Ser or p.Gly378Ser due to a difference in cDNA numbering, in GLRA1 has been identified in an individual with hyperekplexia and their unaffected parent (PMID: 10817489). This variant has also been identified in >1% of European (non-Finnish) chromosomes and 7 homozygotes by ExAC. In vitro functional studies provide some evidence that the p.Gly370Ser variant may not impact protein function (PMID: 10817489). However, these types of assays may not accurately represent biological function. In summary, although additional studies are required to fully establish its clinical significance, this variant meets criteria to be classified as likely benign for hyperekplexia.

PreventionGenetics, part of Exact Sciences
Classification: Benign for GLRA1-related condition. Last evaluated: 2019-03-05. Review status: no assertion criteria provided. Collection method: clinical testing. Allele origin: germline. Not counted in ClinVar's aggregate classification.
Comment: This variant is classified as benign based on ACMG/AMP sequence variant interpretation guidelines (Richards et al. 2015 PMID: 25741868, with internal and published modifications).

GeneReviews
Classification: Pathogenic for Hyperekplexia. Last evaluated: 2012-10-04. Review status: no assertion criteria provided. Collection method: curation. Allele origin: unknown. Not counted in ClinVar's aggregate classification.
ClinVar note: Converted during submission from pathologic to Pathogenic.

Diagnostic Laboratory, Department of Genetics, University Medical Center Groningen
Classification: Benign for Hyperekplexia 1. Review status: no assertion criteria provided. Collection method: clinical testing. Allele origin: germline. Affected: yes. Study: VKGL Data-share Consensus. Not counted in ClinVar's aggregate classification.

Literature cited by the submitters: PubMed 11702206 (cited by Illumina Laboratory Services, Illumina); PubMed 25333069 (cited by Illumina Laboratory Services, Illumina); PubMed 10817489 (cited by Illumina Laboratory Services, Illumina); PubMed 20631190 (cited by Illumina Laboratory Services, Illumina).

NM_000171.4(GLRA1):c.1108G>A (p.Gly370Ser)

Gene: GLRA1 (glycine receptor alpha 1; minus strand). Cytogenetic location: 5q33.1.
Variant type: single nucleotide variant.
Coding change: c.1108G>A on transcript NM_000171.4 (MANE Select); coding-DNA position 1108, G replaced by A.
Protein change: p.Gly370Ser; replaces glycine 370 with serine.
Molecular consequence: missense variant.
Genome position (GRCh38, 1-based): chr5:151,822,915, C>T on the plus strand (G>A on the coding strand, the complement: GLRA1 is on the minus strand). VCF-style: chr5-151822915-C-T. GRCh37 (hg19) VCF-style: chr5-151202476-C-T.
Other names: p.Gly370Ser; G1406A; c.1132G>A, p.Gly378Ser (NM_001146040.2); c.859G>A, p.Gly287Ser (NM_001292000.2); short protein forms G378S, G370S, G287S.
Identifiers: ClinVar variation 38327 (VCV000038327.36), dbSNP rs116474260, ClinGen allele CA342947.